The following is an entry in ClinVar:

ClinVar aggregate classification (germline): Uncertain significance. Review status: criteria provided, multiple submitters, no conflicts (2 of 4 stars). 2 submissions from 2 submitters: Uncertain significance (2). Last evaluated 2022-06-08.

Conditions:
Optic atrophy 3 (OPA3). Also called: Optic atrophy 3 with cataract; OPTIC ATROPHY 3, AUTOSOMAL DOMINANT; Optic atrophy, cataract, and neurologic disorder. Identifiers: Orphanet 67036, MedGen C1833809, MONDO:0008133, OMIM 165300.
3-Methylglutaconic aciduria type 3 (MGCA3). Also called: OPA3-Related 3-Methylglutaconic Aciduria; Costeff Syndrome; OPA3, AUTOSOMAL RECESSIVE; OPTIC ATROPHY 3, AUTOSOMAL RECESSIVE. Identifiers: Orphanet 67047, MedGen C0574084, MONDO:0009787, OMIM 258501.

Submissions (2):

GeneDx
Classification: Uncertain significance. Last evaluated: 2022-06-08. Review status: criteria provided, single submitter. Criteria: GeneDx Variant Classification Process June 2021. Collection method: clinical testing. Allele origin: germline. Affected: yes.
Comment: Not observed at significant frequency in large population cohorts (gnomAD); In silico analysis, which includes splice predictors and evolutionary conservation, suggests this variant may impact gene splicing. In the absence of RNA/functional studies, the actual effect of this sequence change is unknown.; Has not been previously published as pathogenic or benign to our knowledge

Labcorp Genetics (formerly Invitae), Labcorp
Classification: Uncertain significance for 3-Methylglutaconic aciduria type 3; Optic atrophy 3. Last evaluated: 2021-10-10. Review status: criteria provided, single submitter. Criteria: Invitae Variant Classification Sherloc (09022015). Collection method: clinical testing. Allele origin: germline.
Comment: This variant has not been reported in the literature in individuals affected with OPA3-related conditions. In summary, the available evidence is currently insufficient to determine the role of this variant in disease. Therefore, it has been classified as a Variant of Uncertain Significance. Variants that disrupt the consensus splice site are a relatively common cause of aberrant splicing (PMID: 17576681, 9536098). Algorithms developed to predict the effect of sequence changes on RNA splicing suggest that this variant may disrupt the consensus splice site. This variant is not present in population databases (ExAC no frequency). This sequence change falls in intron 1 of the OPA3 gene. It does not directly change the encoded amino acid sequence of the OPA3 protein. It affects a nucleotide within the consensus splice site.

Literature cited by the submitters: PubMed 17576681 (cited by Labcorp Genetics (formerly Invitae), Labcorp); PubMed 9536098 (cited by Labcorp Genetics (formerly Invitae), Labcorp).

NM_025136.4(OPA3):c.142+4A>T

Genes: OPA3 (outer mitochondrial membrane lipid metabolism regulator OPA3; minus strand), OPA3-RTN2 (OPA3-RTN2 readthrough; minus strand). Cytogenetic location: 19q13.32.
Variant type: single nucleotide variant.
Coding change: c.142+4A>T on transcript NM_025136.4 (MANE Select); 4 bases into the intron after coding-DNA position 142, A replaced by T.
Molecular consequence: intron variant.
Genome position (GRCh38, 1-based): chr19:45,584,619, T>A on the plus strand (A>T on the coding strand, the complement: OPA3 is on the minus strand). VCF-style: chr19-45584619-T-A. GRCh37 (hg19) VCF-style: chr19-46087877-T-A.
Other names: c.142+4A>T (NM_001017989.3).
Identifiers: ClinVar variation 1385878 (VCV001385878.7), dbSNP rs765495449, ClinGen allele CA2573156436.